The following is an entry in ClinVar:

NM_004431.5(EPHA2):c.*213C>T

Gene: EPHA2 (EPH receptor A2; minus strand). Cytogenetic location: 1p36.13.
Variant type: single nucleotide variant.
Coding change: c.*213C>T on transcript NM_004431.5 (MANE Select); 213 bases downstream of the stop codon, C replaced by T.
Molecular consequence: 3 prime UTR variant.
Genome position (GRCh38, 1-based): chr1:16,125,002, G>A on the plus strand (C>T on the coding strand, the complement: EPHA2 is on the minus strand). VCF-style: chr1-16125002-G-A. GRCh37 (hg19) VCF-style: chr1-16451497-G-A.
Other names: c.*213C>T (NM_001329090.2).
Identifiers: ClinVar variation 293403 (VCV000293403.5), dbSNP rs112600002, ClinGen allele CA10608160.

ClinVar aggregate classification (germline): Benign (1 of 4 stars; one submission).

Conditions:
Cataract 6 multiple types. Also called: CATARACT, AGE-RELATED CORTICAL, 2; CATARACT 6, POSTERIOR POLAR; CATARACT 6, CONGENITAL TOTAL. Identifiers: Orphanet 91492, MedGen C1861825, MONDO:0007288, OMIM 116600.

Allele frequency attached by ClinVar (database versions not stated): 1000 Genomes Project 0.00220; TOPMed 0.00266; gnomAD exomes 0.00091; 1000 Genomes Project 30x 0.00203; gnomAD 0.00253 and 0.00236.
gnomAD v4.1: 792 of 600,264 alleles (0.13%); highest among the groups gnomAD compares: African/African-American, 0.66%; 4 homozygotes.

Submission:

Illumina Laboratory Services, Illumina
Classification: Benign for Cataract 6 multiple types. Last evaluated: 2018-01-13. Review status: criteria provided, single submitter. Criteria: ICSL Variant Classification Criteria 13 December 2019. Collection method: clinical testing. Allele origin: germline.
Comment: This variant was observed in the ICSL laboratory as part of a predisposition screen in an ostensibly healthy population. It had not been previously curated by ICSL or reported in the Human Gene Mutation Database (HGMD: prior to June 1st, 2018), and was therefore a candidate for classification through an automated scoring system. Utilizing variant allele frequency, disease prevalence and penetrance estimates, and inheritance mode, an automated score was calculated to assess if this variant is too frequent to cause the disease. Based on the score and internal cut-off values, a variant classified as benign is not then subjected to further curation. The score for this variant resulted in a classification of benign for this disease.